The following is an entry in ClinVar:

NM_015072.5(TTLL5):c.434A>C (p.His145Pro)

Gene: TTLL5 (tubulin tyrosine ligase like 5; plus strand). Cytogenetic location: 14q24.3.
Variant type: single nucleotide variant.
Coding change: c.434A>C on transcript NM_015072.5 (MANE Select); coding-DNA position 434, A replaced by C.
Protein change: p.His145Pro; replaces histidine 145 with proline.
Molecular consequence: missense variant.
Genome position (GRCh38, 1-based): chr14:75,690,254, A>C. VCF-style: chr14-75690254-A-C. GRCh37 (hg19) VCF-style: chr14-76156597-A-C.
Other names: short protein forms H145P.
Identifiers: ClinVar variation 1349422 (VCV001349422.8), dbSNP rs776212314, ClinGen allele CA390453675.

ClinVar aggregate classification (germline): Uncertain significance (1 of 4 stars; one submission).

gnomAD v4.1: 1 of 1,612,608 alleles (0.000062%); highest among the groups gnomAD compares: Non-Finnish European, 0.000085%; no homozygotes.

Submission:

Labcorp Genetics (formerly Invitae), Labcorp
Classification: Uncertain significance. Last evaluated: 2021-04-27. Review status: criteria provided, single submitter. Criteria: Invitae Variant Classification Sherloc (09022015). Collection method: clinical testing. Allele origin: germline.
Comment: In summary, the available evidence is currently insufficient to determine the role of this variant in disease. Therefore, it has been classified as a Variant of Uncertain Significance. Algorithms developed to predict the effect of missense changes on protein structure and function are either unavailable or do not agree on the potential impact of this missense change (SIFT: "Deleterious"; PolyPhen-2: "Probably Damaging"; Align-GVGD: "Class C0"). This variant has not been reported in the literature in individuals with TTLL5-related conditions. This variant is not present in population databases (ExAC no frequency). This sequence change replaces histidine with proline at codon 145 of the TTLL5 protein (p.His145Pro). The histidine residue is highly conserved and there is a moderate physicochemical difference between histidine and proline.